The following is an entry in ClinVar:

ClinVar aggregate classification (germline): Uncertain significance. Review status: criteria provided, multiple submitters, no conflicts (2 of 4 stars). 3 submissions from 3 submitters: Uncertain significance (3). Last evaluated 2025-08-18.

Conditions:
Inborn genetic diseases. Identifiers: MedGen C0950123, MeSH D030342.
Myofibrillar myopathy 3 (MFM3). Also called: Muscular dystrophy, proximal, type 1A; Autosomal dominant spheroid body myopathy. Identifiers: Orphanet 266, Orphanet 268129, MedGen C3714934, MONDO:0012215, OMIM 609200.

Allele frequency attached by ClinVar (database versions not stated): ExAC 0.00003; gnomAD 0.00004 and 0.00005; gnomAD exomes 0.00004; TOPMed 0.00004.
gnomAD v4.1: 27 of 1,612,342 alleles (0.0017%); highest among the groups gnomAD compares: Admixed American, 0.022%; no homozygotes.

Submissions (3):

Labcorp Genetics (formerly Invitae), Labcorp
Classification: Uncertain significance for Myofibrillar myopathy 3. Last evaluated: 2025-08-18. Review status: criteria provided, single submitter. Criteria: Invitae Variant Classification Sherloc (09022015). Collection method: clinical testing. Allele origin: germline.
Comment: This sequence change replaces arginine, which is basic and polar, with glutamine, which is neutral and polar, at codon 219 of the MYOT protein (p.Arg219Gln). This variant is present in population databases (rs745792335, gnomAD 0.03%). This variant has not been reported in the literature in individuals affected with MYOT-related conditions. ClinVar contains an entry for this variant (Variation ID: 283490). Invitae Evidence Modeling of protein sequence and biophysical properties (such as structural, functional, and spatial information, amino acid conservation, physicochemical variation, residue mobility, and thermodynamic stability) indicates that this missense variant is not expected to disrupt MYOT protein function with a negative predictive value of 80%. In summary, the available evidence is currently insufficient to determine the role of this variant in disease. Therefore, it has been classified as a Variant of Uncertain Significance.

Ambry Genetics
Classification: Uncertain significance for Inborn genetic diseases. Last evaluated: 2025-05-19. Review status: criteria provided, single submitter. Criteria: Ambry Variant Classification Scheme 2023. Collection method: clinical testing. Allele origin: germline.

Eurofins Ntd Llc (ga)
Classification: Uncertain significance. Last evaluated: 2015-10-02. Review status: criteria provided, single submitter. Criteria: EGL Classification Definitions 2015. Collection method: clinical testing. Allele origin: germline. Observed: 1 variant allele, 1 heterozygote.

NM_006790.3(MYOT):c.656G>A (p.Arg219Gln)

Genes: PKD2L2-DT (PKD2L2 divergent transcript; minus strand), MYOT (myotilin; plus strand). Cytogenetic location: 5q31.2.
Variant type: single nucleotide variant.
Coding change: c.656G>A on transcript NM_006790.3 (MANE Select); coding-DNA position 656, G replaced by A.
Protein change: p.Arg219Gln; replaces arginine 219 with glutamine.
Molecular consequence: missense variant.
Genome position (GRCh38, 1-based): chr5:137,880,838, G>A. VCF-style: chr5-137880838-G-A. GRCh37 (hg19) VCF-style: chr5-137216527-G-A.
Other names: c.656G>A (NM_006790.2); c.104G>A, p.Arg35Gln (NM_001135940.2); c.311G>A, p.Arg104Gln (NM_001300911.2); short protein forms R219Q, R104Q, R35Q.
Identifiers: ClinVar variation 283490 (VCV000283490.15), dbSNP rs745792335, ClinGen allele CA3422999.